The following is an entry in ClinVar:

ClinVar aggregate classification (germline): Uncertain significance. Review status: criteria provided, multiple submitters, no conflicts (2 of 4 stars). 2 submissions from 2 submitters: Uncertain significance (2). Last evaluated 2022-06-13.

Submissions (2):

Blueprint Genetics
Classification: Uncertain significance. Last evaluated: 2022-06-13. Review status: criteria provided, single submitter. Criteria: ACMG Guidelines, 2015. Collection method: clinical testing. Allele origin: germline.

Labcorp Genetics (formerly Invitae), Labcorp
Classification: Uncertain significance. Last evaluated: 2021-08-27. Review status: criteria provided, single submitter. Criteria: Invitae Variant Classification Sherloc (09022015). Collection method: clinical testing. Allele origin: germline.
Comment: This sequence change replaces tryptophan with cysteine at codon 1071 of the ARHGEF18 protein (p.Trp1071Cys). The tryptophan residue is moderately conserved and there is a large physicochemical difference between tryptophan and cysteine. This variant is not present in population databases (ExAC no frequency). This variant has not been reported in the literature in individuals affected with ARHGEF18-related conditions. Algorithms developed to predict the effect of missense changes on protein structure and function are either unavailable or do not agree on the potential impact of this missense change (SIFT: "Deleterious"; PolyPhen-2: "Benign"; Align-GVGD: "Class C0"). Algorithms developed to predict the effect of sequence changes on RNA splicing suggest that this variant may create or strengthen a splice site. In summary, the available evidence is currently insufficient to determine the role of this variant in disease. Therefore, it has been classified as a Variant of Uncertain Significance.

NM_001367823.1(ARHGEF18):c.3777G>T (p.Trp1259Cys)

Gene: ARHGEF18 (Rho/Rac guanine nucleotide exchange factor 18; plus strand). Cytogenetic location: 19p13.2.
Variant type: single nucleotide variant.
Coding change: c.3777G>T on transcript NM_001367823.1 (MANE Select); coding-DNA position 3777, G replaced by T.
Protein change: p.Trp1259Cys; replaces tryptophan 1259 with cysteine.
Molecular consequence: missense variant.
Genome position (GRCh38, 1-based): chr19:7,469,121, G>T. VCF-style: chr19-7469121-G-T. GRCh37 (hg19) VCF-style: chr19-7534007-G-T.
Other names: c.3051G>T, p.Trp1017Cys (NM_001130955.2); c.2739G>T, p.Trp913Cys (NM_001367824.1, NM_015318.4); short protein forms W1017C, W1259C, W913C.
Identifiers: ClinVar variation 1018928 (VCV001018928.7), dbSNP rs1976854252, ClinGen allele CA403094743.
Genomic context (GRCh38, chr19:7,469,121, plus strand): 5'-GGCGGCCTCCACCAAGGGTGGCAAGGACAAGGGCGGCAAGAGCAGGGGCTCTCAGCGCTG[G>T]GAGAGCTCAGGTGAGCCGGCCCCACCCCTTCGCCTGGGCCTGGAAGGTGCAACTGGTCAG-3'
Protein context (NP_001354752.1, residues 1249-1269): KGGKSRGSQR[Trp1259Cys]ESSASFDLKQ